The following is an entry in ClinVar:

ClinVar aggregate classification (germline): Benign. Review status: criteria provided, multiple submitters, no conflicts (2 of 4 stars). 3 submissions from 3 submitters: Benign (2). 1 of the submissions does not count toward it. Last evaluated 2026-01-28.

Conditions:
ATRN-related disorder. Also called: ATRN-related condition.

Allele frequency attached by ClinVar (database versions not stated): ExAC 0.02042; gnomAD 0.05027 and 0.04797; ESP Exome Variant Server 0.05398; 1000 Genomes Project 30x 0.05981; gnomAD exomes 0.00762 and 0.01729; TOPMed 0.05318; 1000 Genomes Project 0.05791.
gnomAD v4.1: 18,788 of 1,614,026 alleles (1.2%); highest among the groups gnomAD compares: African/African-American, 16%; 1,099 homozygotes.

Submissions (3):

Labcorp Genetics (formerly Invitae), Labcorp
Classification: Benign. Last evaluated: 2026-01-28. Review status: criteria provided, single submitter. Criteria: Invitae Variant Classification Sherloc (09022015). Collection method: clinical testing. Allele origin: germline.

Breakthrough Genomics
Classification: Benign. Review status: criteria provided, single submitter. Criteria: ACMG Guidelines, 2015. Collection method: not provided. Allele origin: germline. Inheritance: Unknown mechanism. Affected: yes.

PreventionGenetics, part of Exact Sciences
Classification: Benign for ATRN-related condition. Last evaluated: 2024-07-30. Review status: no assertion criteria provided. Collection method: clinical testing. Allele origin: germline. Not counted in ClinVar's aggregate classification.
Comment: This variant is classified as benign based on ACMG/AMP sequence variant interpretation guidelines (Richards et al. 2015 PMID: 25741868, with internal and published modifications).

NM_139321.3(ATRN):c.908A>C (p.Asp303Ala)

Gene: ATRN (attractin; plus strand). Cytogenetic location: 20p13.
Variant type: single nucleotide variant.
Coding change: c.908A>C on transcript NM_139321.3 (MANE Select); coding-DNA position 908, A replaced by C.
Protein change: p.Asp303Ala; replaces aspartic acid 303 with alanine.
Molecular consequence: missense variant.
Genome position (GRCh38, 1-based): chr20:3,547,454, A>C. VCF-style: chr20-3547454-A-C. GRCh37 (hg19) VCF-style: chr20-3528101-A-C.
Other names: c.560A>C, p.Asp187Ala (NM_001207047.3); c.908A>C, p.Asp303Ala (NM_001323332.2, NM_139322.4); c.908A>C (NM_139321.2); short protein forms D187A, D303A.
Identifiers: ClinVar variation 1167764 (VCV001167764.11), dbSNP rs6107308, ClinGen allele CA9743922.